The following is an entry in ClinVar:

ClinVar aggregate classification (germline): Uncertain significance (1 of 4 stars; one submission).

Conditions:
Hypertrophic cardiomyopathy 26. Also called: Cardiomyopathy, familial hypertrophic, 26. Identifiers: Orphanet 75249, MedGen C4310749, MONDO:0014883, OMIM 617047.
Myofibrillar myopathy 5. Also called: FILAMINOPATHY, AUTOSOMAL DOMINANT; Filaminopathy (type). Identifiers: Orphanet 171445, MedGen C1836050, MONDO:0012289, OMIM 609524.
Distal myopathy with posterior leg and anterior hand involvement. Also called: WILLIAMS DISTAL MYOPATHY. Identifiers: Orphanet 63273, MedGen C3279722, MONDO:0013550, OMIM 614065.

Submission:

Labcorp Genetics (formerly Invitae), Labcorp
Classification: Uncertain significance for Distal myopathy with posterior leg and anterior hand involvement; Myofibrillar myopathy 5; Hypertrophic cardiomyopathy 26. Last evaluated: 2021-12-15. Review status: criteria provided, single submitter. Criteria: Invitae Variant Classification Sherloc (09022015). Collection method: clinical testing. Allele origin: germline.
Comment: This sequence change replaces glycine, which is neutral and non-polar, with aspartic acid, which is acidic and polar, at codon 1760 of the FLNC protein (p.Gly1760Asp). In summary, the available evidence is currently insufficient to determine the role of this variant in disease. Therefore, it has been classified as a Variant of Uncertain Significance. Algorithms developed to predict the effect of missense changes on protein structure and function (SIFT, PolyPhen-2, Align-GVGD) all suggest that this variant is likely to be tolerated. ClinVar contains an entry for this variant (Variation ID: 958180). This variant has not been reported in the literature in individuals affected with FLNC-related conditions. This variant is not present in population databases (gnomAD no frequency).

NM_001458.5(FLNC):c.5279G>A (p.Gly1760Asp)

Gene: FLNC (filamin C; plus strand). Cytogenetic location: 7q32.1.
Variant type: single nucleotide variant.
Coding change: c.5279G>A on transcript NM_001458.5 (MANE Select); coding-DNA position 5279, G replaced by A.
Protein change: p.Gly1760Asp; replaces glycine 1760 with aspartic acid.
Molecular consequence: missense variant. On other transcripts: intron variant (1).
Genome position (GRCh38, 1-based): chr7:128,850,055, G>A. VCF-style: chr7-128850055-G-A. GRCh37 (hg19) VCF-style: chr7-128490109-G-A.
Other names: c.5200-329G>A (NM_001127487.2); short protein forms G1760D.
Identifiers: ClinVar variation 958180 (VCV000958180.8), dbSNP rs1808741985, ClinGen allele CA369204728.